The following is an entry in ClinVar:

NM_000037.4(ANK1):c.2856_2857insTCGC (p.Leu953fs)

Gene: ANK1 (ankyrin 1; minus strand). Cytogenetic location: 8p11.21.
Variant type: Insertion.
Coding change: c.2856_2857insTCGC on transcript NM_000037.4 (MANE Select); coding-DNA positions 2856 to 2857, TCGC inserted.
Protein change: p.Leu953fs; shifts the reading frame from leucine 953.
Molecular consequence: frameshift variant.
Genome position: GRCh38 VCF-style: chr8-41696466-G-GGCGA. GRCh37 (hg19) VCF-style: chr8-41553984-G-GGCGA.
Other names: c.2979_2980insTCGC, p.Leu994fs (NM_001142446.2); c.2856_2857insTCGC, p.Leu953fs (NM_020475.3, NM_020476.3, NM_020477.3); short protein forms L994fs, L953fs.
Identifiers: ClinVar variation 4718916 (VCV004718916.1).

ClinVar aggregate classification (germline): Pathogenic (1 of 4 stars; one submission).

Submission:

Labcorp Genetics (formerly Invitae), Labcorp
Classification: Pathogenic. Last evaluated: 2025-05-04. Review status: criteria provided, single submitter. Criteria: Invitae Variant Classification Sherloc (09022015). Collection method: clinical testing. Allele origin: germline.
Comment: This sequence change creates a premature translational stop signal (p.Leu953Serfs*165) in the ANK1 gene. It is expected to result in an absent or disrupted protein product. Loss-of-function variants in ANK1 are known to be pathogenic (PMID: 8640229). This variant is not present in population databases (gnomAD no frequency). This variant has not been reported in the literature in individuals affected with ANK1-related conditions. For these reasons, this variant has been classified as Pathogenic.

Literature cited by the submitters: PubMed 8640229.